The following is an entry in ClinVar:

ClinVar aggregate classification (germline): Uncertain significance. Review status: criteria provided, single submitter (1 of 4 stars). 2 submissions from 2 submitters: Uncertain significance (1). 1 of the submissions does not count toward it. Last evaluated 2022-08-23.

Conditions:
Metaphyseal chondrodysplasia, McKusick type (CHH). Also called: Cartilage-Hair Hypoplasia (CHH); Cartilage-hair hypoplasia. Identifiers: Orphanet 175, MedGen C0220748, MONDO:0009595, OMIM 250250.
Anauxetic dysplasia. Identifiers: Orphanet 93347, MedGen C1846796, MONDO:0011773.

Submissions (2):

Labcorp Genetics (formerly Invitae), Labcorp
Classification: Uncertain significance for Anauxetic dysplasia. Last evaluated: 2022-08-23. Review status: criteria provided, single submitter. Criteria: Invitae Variant Classification Sherloc (09022015). Collection method: clinical testing. Allele origin: germline.
Comment: This variant occurs in the RMRP gene, which encodes an RNA molecule that does not result in a protein product. This variant is present in population databases (no rsID available, gnomAD 0.009%). This variant has not been reported in the literature in individuals affected with RMRP-related conditions. ClinVar contains an entry for this variant (Variation ID: 1019996). Experimental studies and prediction algorithms are not available or were not evaluated, and the functional significance of this variant is currently unknown. In summary, the available evidence is currently insufficient to determine the role of this variant in disease. Therefore, it has been classified as a Variant of Uncertain Significance.

Natera, Inc.
Classification: Uncertain significance for Cartilage-hair hypoplasia. Last evaluated: 2020-05-12. Review status: no assertion criteria provided. Collection method: clinical testing. Allele origin: germline. Not counted in ClinVar's aggregate classification.

NC_000009.12:g.35658026C>T

Gene: RMRP (RNA component of mitochondrial RNA processing endoribonuclease; minus strand). Cytogenetic location: 9p13.3.
Variant type: single nucleotide variant.
Genome position: GRCh38 VCF-style: chr9-35658026-C-T. GRCh37 (hg19) VCF-style: chr9-35658023-C-T.
Identifiers: ClinVar variation 1019996 (VCV001019996.3), dbSNP rs898955976, ClinGen allele CA587570210.
Genomic context (GRCh38, chr9:35,658,026, plus strand): 5'-GAGGAACAGAGTCCTCAGTGTGTAGCCTAGGATACAGGCCTTCAGCACGAACCACGTCCT[C>T]AGCTTCACAGAGTAGTATTTTATAGCCCTAAAGAAATTGTGTTTTATGATTAGGGTGAGA-3'